The following is an entry in ClinVar:

NM_015978.3(TNNI3K):c.941C>T (p.Thr314Ile)

Genes: FPGT-TNNI3K (FPGT-TNNI3K readthrough; plus strand), TNNI3K (TNNI3 interacting kinase; plus strand). Cytogenetic location: 1p31.1.
Variant type: single nucleotide variant.
Coding change: c.941C>T on transcript NM_015978.3 (MANE Select); coding-DNA position 941, C replaced by T.
Protein change: p.Thr314Ile; replaces threonine 314 with isoleucine.
Molecular consequence: missense variant.
Genome position (GRCh38, 1-based): chr1:74,353,274, C>T. VCF-style: chr1-74353274-C-T. GRCh37 (hg19) VCF-style: chr1-74818958-C-T.
Other names: c.1244C>T, p.Thr415Ile (NM_001112808.3, NM_001199327.2); short protein forms T314I, T415I.
Identifiers: ClinVar variation 1932161 (VCV001932161.5), dbSNP rs970959631, ClinGen allele CA24533561.

ClinVar aggregate classification (germline): Uncertain significance (1 of 4 stars; one submission).

Allele frequency attached by ClinVar (database versions not stated): gnomAD exomes below 0.00001.
gnomAD v4.1: 1 of 1,612,638 alleles (0.000062%); highest among the groups gnomAD compares: African/African-American, 0.0013%; no homozygotes.

Submission:

Labcorp Genetics (formerly Invitae), Labcorp
Classification: Uncertain significance. Last evaluated: 2023-05-08. Review status: criteria provided, single submitter. Criteria: Invitae Variant Classification Sherloc (09022015). Collection method: clinical testing. Allele origin: germline.
Comment: This variant is not present in population databases (gnomAD no frequency). In summary, the available evidence is currently insufficient to determine the role of this variant in disease. Therefore, it has been classified as a Variant of Uncertain Significance. Advanced modeling of protein sequence and biophysical properties (such as structural, functional, and spatial information, amino acid conservation, physicochemical variation, residue mobility, and thermodynamic stability) performed at Invitae indicates that this missense variant is not expected to disrupt TNNI3K protein function. ClinVar contains an entry for this variant (Variation ID: 1932161). This variant has not been reported in the literature in individuals affected with TNNI3K-related conditions. This sequence change replaces threonine, which is neutral and polar, with isoleucine, which is neutral and non-polar, at codon 314 of the TNNI3K protein (p.Thr314Ile).